The following is an entry in ClinVar:

ClinVar aggregate classification (germline): Conflicting classifications of pathogenicity. Review status: criteria provided, conflicting classifications (1 of 4 stars). 2 submissions from 2 submitters: Uncertain significance (1); Benign (1). Last evaluated 2025-11-15.

Conditions:
COL4A3-related disorder. Also called: COL4A3-related condition; COL4A3-Related Disorders.

Allele frequency attached by ClinVar (database versions not stated): TOPMed 0.00001; gnomAD 0.00007; ExAC 0.00052; 1000 Genomes Project 0.00120; 1000 Genomes Project 30x 0.00141.
gnomAD v4.1: 90 of 1,566,550 alleles (0.0057%); highest among the groups gnomAD compares: South Asian, 0.095%; 1 homozygote.

Submissions (2):

Labcorp Genetics (formerly Invitae), Labcorp
Classification: Benign. Last evaluated: 2025-11-15. Review status: criteria provided, single submitter. Criteria: Invitae Variant Classification Sherloc (09022015). Collection method: clinical testing. Allele origin: germline.

PreventionGenetics, part of Exact Sciences
Classification: Uncertain significance for COL4A3-related condition. Last evaluated: 2023-09-11. Review status: criteria provided, single submitter. Criteria: ACMG Guidelines, 2015. Collection method: clinical testing. Allele origin: germline.
Comment: The COL4A3 c.3713C>G variant is predicted to result in the amino acid substitution p.Thr1238Arg. To our knowledge, this variant has not been reported in the literature. This variant is reported in 0.097% of alleles in individuals of South Asian descent in gnomAD. Although we suspect that this variant may be benign, at this time, the clinical significance of this variant is uncertain due to the absence of conclusive functional and genetic evidence.

NM_000091.5(COL4A3):c.3713C>G (p.Thr1238Arg)

Genes: COL4A3 (collagen type IV alpha 3 chain; plus strand), MFF-DT (MFF divergent transcript; minus strand). Cytogenetic location: 2q36.3.
Variant type: single nucleotide variant.
Coding change: c.3713C>G on transcript NM_000091.5 (MANE Select); coding-DNA position 3713, C replaced by G.
Protein change: p.Thr1238Arg; replaces threonine 1238 with arginine.
Molecular consequence: missense variant.
Genome position (GRCh38, 1-based): chr2:227,297,821, C>G. VCF-style: chr2-227297821-C-G. GRCh37 (hg19) VCF-style: chr2-228162537-C-G.
Other names: short protein forms T1238R.
Identifiers: ClinVar variation 2198763 (VCV002198763.5), dbSNP rs528758931, ClinGen allele CA2147330.